The following is an entry in ClinVar:

ClinVar aggregate classification (germline): Pathogenic (1 of 4 stars; one submission).

Submission:

Labcorp Genetics (formerly Invitae), Labcorp
Classification: Pathogenic. Last evaluated: 2021-07-24. Review status: criteria provided, single submitter. Criteria: Invitae Variant Classification Sherloc (09022015). Collection method: clinical testing. Allele origin: germline.
Comment: For these reasons, this variant has been classified as Pathogenic. This variant disrupts a region of the MYO7A protein in which other variant(s) (p.Gly2163Ser) have been determined to be pathogenic (PMID: 19888295, 23770805, 26226137, 28451532). This suggests that this is a clinically significant region of the protein, and that variants that disrupt it are likely to be disease-causing. Algorithms developed to predict the effect of sequence changes on RNA splicing suggest that this variant may create or strengthen a splice site. This variant has not been reported in the literature in individuals affected with MYO7A-related conditions. This variant is not present in population databases (ExAC no frequency). This sequence change creates a premature translational stop signal (p.Val2138Serfs*57) in the MYO7A gene. While this is not anticipated to result in nonsense mediated decay, it is expected to disrupt the last 78 amino acid(s) of the MYO7A protein.

Literature cited by the submitters: PubMed 19888295; PubMed 23770805; PubMed 26226137; PubMed 28451532.

NM_000260.4(MYO7A):c.6412del (p.Val2138fs)

Gene: MYO7A (myosin VIIA; plus strand). Cytogenetic location: 11q13.5.
Variant type: Deletion.
Coding change: c.6412del on transcript NM_000260.4 (MANE Select); coding-DNA position 6412, one base deleted (G; older notation c.6412delG).
Protein change: p.Val2138fs; shifts the reading frame from valine 2138.
Molecular consequence: frameshift variant.
Genome position (GRCh38, 1-based): chr11:77,213,009, G deleted; the last of 4 consecutive G bases (chr11:77,213,006-77,213,009); deleting any one gives the same sequence. VCF-style (leftmost placement, unchanged base first): chr11-77213005-TG-T. GRCh37 (hg19) VCF-style: chr11-76924050-TG-T.
Other names: c.6292del, p.Val2098fs (NM_001127180.2); c.6265del, p.Val2089fs (NM_001369365.1); short protein forms V2098fs, V2089fs, V2138fs.
Identifiers: ClinVar variation 1366862 (VCV001366862.6), dbSNP rs2135799043, ClinGen allele CA2573147845.